The following is an entry in ClinVar:

NM_005908.4(MANBA):c.2015-28G>A

Gene: MANBA (mannosidase beta; minus strand). Cytogenetic location: 4q24.
Variant type: single nucleotide variant.
Coding change: c.2015-28G>A on transcript NM_005908.4 (MANE Select); 28 bases into the intron before coding-DNA position 2015, G replaced by A.
Molecular consequence: intron variant.
Genome position (GRCh38, 1-based): chr4:102,636,035, C>T on the plus strand (G>A on the coding strand, the complement: MANBA is on the minus strand). VCF-style: chr4-102636035-C-T. GRCh37 (hg19) VCF-style: chr4-103557192-C-T.
Identifiers: ClinVar variation 95318 (VCV000095318.11), dbSNP rs4547797, ClinGen allele CA148426.

ClinVar aggregate classification (germline): Benign. Review status: criteria provided, multiple submitters, no conflicts (2 of 4 stars). 5 submissions from 5 submitters: Benign (4). 1 of the submissions does not count toward it. Last evaluated 2021-09-05.

Conditions:
Beta-D-mannosidosis (MANSB). Also called: BETA-MANNOSIDASE DEFICIENCY; LYSOSOMAL BETA-MANNOSIDASE DEFICIENCY; MANNOSIDOSIS, BETA A, LYSOSOMAL; Beta-Mannosidosis. Identifiers: Orphanet 118, MedGen C4048196, MONDO:0009562, OMIM 248510.

Allele frequency attached by ClinVar (database versions not stated): gnomAD exomes 0.52021 and 0.54075; ExAC 0.53367; ESP Exome Variant Server 0.54875; gnomAD 0.55331 and 0.54950; TOPMed 0.56673; 1000 Genomes Project 0.54912; 1000 Genomes Project 30x 0.55824.
gnomAD v4.1: 839,069 of 1,603,016 alleles (52%); highest among the groups gnomAD compares: Admixed American, 70%; 222,850 homozygotes.

Submissions (5):

Genome-Nilou Lab
Classification: Benign for Beta-D-mannosidosis. Last evaluated: 2021-09-05. Review status: criteria provided, single submitter. Criteria: ACMG Guidelines, 2015. Collection method: clinical testing. Allele origin: germline. Affected: no.

GeneDx
Classification: Benign. Last evaluated: 2018-06-19. Review status: criteria provided, single submitter. Criteria: GeneDx Variant Classification (06012015). Collection method: clinical testing. Allele origin: germline. Affected: yes.
Comment: This variant is considered likely benign or benign based on one or more of the following criteria: it is a conservative change, it occurs at a poorly conserved position in the protein, it is predicted to be benign by multiple in silico algorithms, and/or has population frequency not consistent with disease.

Eurofins Ntd Llc (ga)
Classification: Benign. Last evaluated: 2013-01-16. Review status: criteria provided, single submitter. Criteria: EGL Classification Definitions 2015. Collection method: clinical testing. Allele origin: germline. Observed: 1 variant allele, 1 heterozygote.

Breakthrough Genomics
Classification: Benign. Review status: criteria provided, single submitter. Criteria: ACMG Guidelines, 2015. Collection method: not provided. Allele origin: germline. Inheritance: Autosomal recessive inheritance. Affected: yes.

Mayo Clinic Laboratories, Mayo Clinic
Classification: Benign. Last evaluated: 2015-10-23. Review status: no assertion criteria provided. Collection method: clinical testing. Allele origin: unknown. Not counted in ClinVar's aggregate classification.